The following is an entry in ClinVar:

ClinVar aggregate classification (germline): Uncertain significance (1 of 4 stars; one submission).

Conditions:
KBG syndrome (KBGS). Also called: ANKRD11-Related KBG Syndrome. Identifiers: Orphanet 2332, MedGen C0220687, MONDO:0007846, OMIM 148050.

Submission:

Labcorp Genetics (formerly Invitae), Labcorp
Classification: Uncertain significance for KBG syndrome. Last evaluated: 2025-02-26. Review status: criteria provided, single submitter. Criteria: Invitae Variant Classification Sherloc (09022015). Collection method: clinical testing. Allele origin: germline.
Comment: This sequence change replaces phenylalanine, which is neutral and non-polar, with cysteine, which is neutral and slightly polar, at codon 1202 of the ANKRD11 protein (p.Phe1202Cys). This variant is not present in population databases (gnomAD no frequency). This variant has not been reported in the literature in individuals affected with ANKRD11-related conditions. Invitae Evidence Modeling of protein sequence and biophysical properties (such as structural, functional, and spatial information, amino acid conservation, physicochemical variation, residue mobility, and thermodynamic stability) indicates that this missense variant is not expected to disrupt ANKRD11 protein function with a negative predictive value of 95%. In summary, the available evidence is currently insufficient to determine the role of this variant in disease. Therefore, it has been classified as a Variant of Uncertain Significance.

NM_013275.6(ANKRD11):c.3605T>G (p.Phe1202Cys)

Gene: ANKRD11 (ankyrin repeat domain 11; minus strand). Cytogenetic location: 16q24.3.
Variant type: single nucleotide variant.
Coding change: c.3605T>G on transcript NM_013275.6 (MANE Select); coding-DNA position 3605, T replaced by G.
Protein change: p.Phe1202Cys; replaces phenylalanine 1202 with cysteine.
Molecular consequence: missense variant.
Genome position (GRCh38, 1-based): chr16:89,282,937, A>C on the plus strand (T>G on the coding strand, the complement: ANKRD11 is on the minus strand). VCF-style: chr16-89282937-A-C. GRCh37 (hg19) VCF-style: chr16-89349345-A-C.
Other names: c.3605T>G, p.Phe1202Cys (NM_001256182.2, NM_001256183.2); short protein forms F1202C.
Identifiers: ClinVar variation 4694640 (VCV004694640.1).